The following is an entry in ClinVar:

ClinVar aggregate classification (germline): Uncertain significance. Review status: criteria provided, multiple submitters, no conflicts (2 of 4 stars). 2 submissions from 2 submitters: Uncertain significance (2). Last evaluated 2024-03-07.

Conditions:
Inborn genetic diseases. Identifiers: MedGen C0950123, MeSH D030342.

Allele frequency attached by ClinVar (database versions not stated): gnomAD 0.00002 and 0.00003; gnomAD exomes 0.00002; ExAC 0.00006; TOPMed 0.00006; 1000 Genomes Project 30x 0.00016; 1000 Genomes Project 0.00020.
gnomAD v4.1: 35 of 1,612,142 alleles (0.0022%); highest among the groups gnomAD compares: East Asian, 0.013%; no homozygotes.

Submissions (2):

Ambry Genetics
Classification: Uncertain significance for Inborn genetic diseases. Last evaluated: 2024-03-07. Review status: criteria provided, single submitter. Criteria: Ambry Variant Classification Scheme 2023. Collection method: clinical testing. Allele origin: germline.

Labcorp Genetics (formerly Invitae), Labcorp
Classification: Uncertain significance. Last evaluated: 2022-10-17. Review status: criteria provided, single submitter. Criteria: Invitae Variant Classification Sherloc (09022015). Collection method: clinical testing. Allele origin: germline.
Comment: This sequence change replaces arginine, which is basic and polar, with glutamine, which is neutral and polar, at codon 841 of the PCNT protein (p.Arg841Gln). This variant is present in population databases (rs545597119, gnomAD 0.04%). This variant has not been reported in the literature in individuals affected with PCNT-related conditions. ClinVar contains an entry for this variant (Variation ID: 1417314). Algorithms developed to predict the effect of missense changes on protein structure and function output the following: SIFT: "Tolerated"; PolyPhen-2: "Possibly Damaging"; Align-GVGD: "Class C0". The glutamine amino acid residue is found in multiple mammalian species, which suggests that this missense change does not adversely affect protein function. In summary, the available evidence is currently insufficient to determine the role of this variant in disease. Therefore, it has been classified as a Variant of Uncertain Significance.

NM_006031.6(PCNT):c.2522G>A (p.Arg841Gln)

Gene: PCNT (pericentrin; plus strand). Cytogenetic location: 21q22.3.
Variant type: single nucleotide variant.
Coding change: c.2522G>A on transcript NM_006031.6 (MANE Select); coding-DNA position 2522, G replaced by A.
Protein change: p.Arg841Gln; replaces arginine 841 with glutamine.
Molecular consequence: missense variant.
Genome position (GRCh38, 1-based): chr21:46,363,847, G>A. VCF-style: chr21-46363847-G-A. GRCh37 (hg19) VCF-style: chr21-47783762-G-A.
Other names: c.2168G>A, p.Arg723Gln (NM_001315529.2); c.2522G>A (NM_006031.5); short protein forms R723Q, R841Q.
Identifiers: ClinVar variation 1417314 (VCV001417314.4), dbSNP rs545597119, ClinGen allele CA10078995.